The following is an entry in ClinVar:

NM_212482.4(FN1):c.2120C>T (p.Thr707Ile)

Gene: FN1 (fibronectin 1; minus strand). Cytogenetic location: 2q35.
Variant type: single nucleotide variant.
Coding change: c.2120C>T on transcript NM_212482.4 (MANE Select); coding-DNA position 2120, C replaced by T.
Protein change: p.Thr707Ile; replaces threonine 707 with isoleucine.
Molecular consequence: missense variant.
Genome position (GRCh38, 1-based): chr2:215,409,936, G>A on the plus strand (C>T on the coding strand, the complement: FN1 is on the minus strand). VCF-style: chr2-215409936-G-A. GRCh37 (hg19) VCF-style: chr2-216274659-G-A.
Other names: c.2120C>T, p.Thr707Ile (NM_001306129.2, NM_001306130.2, NM_001306131.2 and 13 more transcripts); short protein forms T707I.
Identifiers: ClinVar variation 3610136 (VCV003610136.2).
Genomic context (GRCh38, chr2:215,409,936, plus strand): 5'-GAGAGCCTAGCTCTAGGAACCTCGGGGGTAGGAGGCATGAGGGTGGTTGTGTACATACTG[G>A]TCACAGGTGTGCTGGTGCTGGTGGTGGTGAAGTCAAAGCGAGTCACTTCTTGGTGGCCGT-3'
Protein context (NP_997647.2, residues 697-717): FTTTSTSTPV[Thr707Ile]SNTVTGETTP

ClinVar aggregate classification (germline): Uncertain significance (1 of 4 stars; one submission).

gnomAD v4.1: 1 of 1,613,764 alleles (0.000062%); highest among the groups gnomAD compares: Non-Finnish European, 0.000085%; no homozygotes.

Submission:

Labcorp Genetics (formerly Invitae), Labcorp
Classification: Uncertain significance. Last evaluated: 2024-10-30. Review status: criteria provided, single submitter. Criteria: Invitae Variant Classification Sherloc (09022015). Collection method: clinical testing. Allele origin: germline.
Comment: This sequence change replaces threonine, which is neutral and polar, with isoleucine, which is neutral and non-polar, at codon 707 of the FN1 protein (p.Thr707Ile). This variant is present in population databases (no rsID available, gnomAD 0.0009%). This variant has not been reported in the literature in individuals affected with FN1-related conditions. An algorithm developed to predict the effect of missense changes on protein structure and function (PolyPhen-2) suggests that this variant is likely to be disruptive. In summary, the available evidence is currently insufficient to determine the role of this variant in disease. Therefore, it has been classified as a Variant of Uncertain Significance.